The following is an entry in ClinVar:

ClinVar aggregate classification (germline): Uncertain significance (1 of 4 stars; one submission).

Conditions:
Hereditary spastic paraplegia 31. Also called: SPASTIC PARAPLEGIA 31, AUTOSOMAL DOMINANT. Identifiers: Orphanet 101011, MedGen C1853247, MONDO:0012453, OMIM 610250.

Submission:

Labcorp Genetics (formerly Invitae), Labcorp
Classification: Uncertain significance for Hereditary spastic paraplegia 31. Last evaluated: 2025-12-16. Review status: criteria provided, single submitter. Criteria: Invitae Variant Classification Sherloc (09022015). Collection method: clinical testing. Allele origin: germline.
Comment: This sequence change falls in intron 5 of the REEP1 gene. It does not directly change the encoded amino acid sequence of the REEP1 protein. This variant is not present in population databases (gnomAD no frequency). This variant has not been reported in the literature in individuals affected with REEP1-related conditions. Experimental studies and prediction algorithms are not available or were not evaluated, and the effect of this variant on mRNA splicing is currently unknown. In summary, the available evidence is currently insufficient to determine the role of this variant in disease. Therefore, it has been classified as a Variant of Uncertain Significance.

NM_001371279.1(REEP1):c.418-30_418-16del

Gene: REEP1 (receptor accessory protein 1; minus strand). Cytogenetic location: 2p11.2.
Variant type: Deletion.
Coding change: c.418-30_418-16del on transcript NM_001371279.1 (MANE Select); 30 bases into the intron before coding-DNA position 418 through 16 bases into the intron before coding-DNA position 418, 15 bases deleted (TGACGTGTGCCCCTC).
Molecular consequence: intron variant.
Genome position (GRCh38, 1-based): chr2:86,232,818-86,232,832, GAGGGGCACACGTCA deleted on the plus strand (TGACGTGTGCCCCTC on the coding strand, the reverse complement: REEP1 is on the minus strand); deleting any 15 consecutive bases within chr2:86,232,818-86,232,836 gives the same sequence; the c. name uses the placement nearest the transcript's 3' end. VCF-style (leftmost placement, unchanged base first): chr2-86232817-GGAGGGGCACACGTCA-G. GRCh37 (hg19) VCF-style: chr2-86459940-GGAGGGGCACACGTCA-G.
Other names: c.439-30_439-16del (NM_001164730.2); c.337-30_337-16del (NM_001164731.2); c.183-30_183-16del (NM_001164732.2); c.418-15722_418-15708del (NM_001371280.1); c.418-30_418-16del (NM_022912.3, NM_001410855.1, NM_001410856.1).
Identifiers: ClinVar variation 4733426 (VCV004733426.1).